The following is an entry in ClinVar:

ClinVar aggregate classification (germline): Uncertain significance (1 of 4 stars; one submission).

Conditions:
DNA ligase IV deficiency. Identifiers: Orphanet 99812, MedGen C1847827, MONDO:0011686, OMIM 606593.

Allele frequency attached by ClinVar (database versions not stated): gnomAD below 0.00001 and 0.00001; gnomAD exomes below 0.00001.

Submission:

Labcorp Genetics (formerly Invitae), Labcorp
Classification: Uncertain significance for DNA ligase IV deficiency. Last evaluated: 2021-08-28. Review status: criteria provided, single submitter. Criteria: Invitae Variant Classification Sherloc (09022015). Collection method: clinical testing. Allele origin: germline.
Comment: This sequence change replaces proline with serine at codon 306 of the LIG4 protein (p.Pro306Ser). The proline residue is moderately conserved and there is a moderate physicochemical difference between proline and serine. This variant is not present in population databases (ExAC no frequency). This variant has not been reported in the literature in individuals affected with LIG4-related conditions. Algorithms developed to predict the effect of missense changes on protein structure and function output the following: SIFT: "Tolerated"; PolyPhen-2: "Benign"; Align-GVGD: "Class C0". The serine amino acid residue is found in multiple mammalian species, which suggests that this missense change does not adversely affect protein function. In summary, the available evidence is currently insufficient to determine the role of this variant in disease. Therefore, it has been classified as a Variant of Uncertain Significance.

NM_206937.2(LIG4):c.916C>T (p.Pro306Ser)

Gene: LIG4 (DNA ligase 4; minus strand). Cytogenetic location: 13q33.3.
Variant type: single nucleotide variant.
Coding change: c.916C>T on transcript NM_206937.2 (MANE Select); coding-DNA position 916, C replaced by T.
Protein change: p.Pro306Ser; replaces proline 306 with serine.
Molecular consequence: missense variant.
Genome position (GRCh38, 1-based): chr13:108,210,353, G>A on the plus strand (C>T on the coding strand, the complement: LIG4 is on the minus strand). VCF-style: chr13-108210353-G-A. GRCh37 (hg19) VCF-style: chr13-108862701-G-A.
Other names: c.916C>T, p.Pro306Ser (NM_001098268.2, NM_001352598.2, NM_001352599.2 and 6 more transcripts); c.715C>T, p.Pro239Ser (NM_001330595.2); c.952C>T, p.Pro318Ser (NM_001352604.2); short protein forms P306S, P239S, P318S.
Identifiers: ClinVar variation 852139 (VCV000852139.7), dbSNP rs1378327726, ClinGen allele CA388619304.